The following is an entry in ClinVar:

ClinVar aggregate classification (germline): Uncertain significance (1 of 4 stars; one submission).

Submission:

GeneDx
Classification: Uncertain significance. Last evaluated: 2025-08-05. Review status: criteria provided, single submitter. Criteria: GeneDx Variant Classification Process June 2021. Collection method: clinical testing. Allele origin: germline. Affected: yes.
Comment: Not observed at significant frequency in large population cohorts (gnomAD); In silico analysis supports that this missense variant has a deleterious effect on protein structure/function; Has not been previously published as pathogenic or benign to our knowledge

NM_000214.3(JAG1):c.2273C>T (p.Thr758Ile)

Gene: JAG1 (jagged canonical Notch ligand 1; minus strand). Cytogenetic location: 20p12.2.
Variant type: single nucleotide variant.
Coding change: c.2273C>T on transcript NM_000214.3 (MANE Select); coding-DNA position 2273, C replaced by T.
Protein change: p.Thr758Ile; replaces threonine 758 with isoleucine.
Molecular consequence: missense variant.
Genome position (GRCh38, 1-based): chr20:10,644,934, G>A on the plus strand (C>T on the coding strand, the complement: JAG1 is on the minus strand). VCF-style: chr20-10644934-G-A. GRCh37 (hg19) VCF-style: chr20-10625582-G-A.
Other names: short protein forms T758I.
Identifiers: ClinVar variation 4755755 (VCV004755755.1).